The following is an entry in ClinVar:

NM_001003694.2(BRPF1):c.2089GAT[1] (p.Asp698del)

Gene: BRPF1 (bromodomain and PHD finger containing 1; plus strand). Cytogenetic location: 3p25.3.
Variant type: Microsatellite.
Coding change: c.2089GAT[1] on transcript NM_001003694.2 (MANE Select); one copy of the 3-base unit GAT starting at c.2089; the reference has two copies in a row; one copy, 3 bases deleted.
Protein change: p.Asp698del; deletes aspartic acid 698.
Molecular consequence: non-coding transcript variant (on NR_160918.1).
Genome position (GRCh38, 1-based): chr3:9,743,034-9,743,036, GAT deleted; deleting any 3 consecutive bases within chr3:9,743,030-9,743,036 gives the same sequence; the position shown is the placement nearest the transcript's 3' end. VCF-style (leftmost placement, unchanged base first): chr3-9743029-TTGA-T. GRCh37 (hg19) VCF-style: chr3-9784713-TTGA-T.
Other names: c.2071GAT[1], p.Asp692del (NM_001319049.2, NM_001319050.2, NM_004634.3); c.2089GAT[1], p.Asp698del (NM_001410704.1); short protein forms D692del, D698del.
Identifiers: ClinVar variation 3363484 (VCV003363484.2).

ClinVar aggregate classification (germline): Uncertain significance (1 of 4 stars; one submission).

Submission:

GeneDx
Classification: Uncertain significance. Last evaluated: 2025-09-12. Review status: criteria provided, single submitter. Criteria: GeneDx Variant Classification Process June 2021. Collection method: clinical testing. Allele origin: germline.
Comment: Not observed at significant frequency in large population cohorts (gnomAD); In-frame deletion of 1 amino acid in a non-repeat region; In silico analysis supports that this variant does not alter protein structure/function; Has not been previously published as pathogenic or benign to our knowledge